The following is an entry in ClinVar:

NM_015915.5(ATL1):c.1032C>A (p.Pro344=)

Gene: ATL1 (atlastin GTPase 1; plus strand). Cytogenetic location: 14q22.1.
Variant type: single nucleotide variant.
Coding change: c.1032C>A on transcript NM_015915.5 (MANE Select); coding-DNA position 1032, C replaced by A.
Protein change: p.Pro344=; no amino-acid change (proline 344 retained).
Molecular consequence: synonymous variant.
Genome position (GRCh38, 1-based): chr14:50,621,884, C>A. VCF-style: chr14-50621884-C-A. GRCh37 (hg19) VCF-style: chr14-51088602-C-A.
Other names: c.1032C>A, p.Pro344= (NM_001127713.1, NM_181598.4).
Identifiers: ClinVar variation 4992332 (VCV004992332.1).

ClinVar aggregate classification (germline): Likely benign (1 of 4 stars; one submission).

Conditions:
ATL1-related disorder. Also called: ATL1-related condition.

Submission:

PreventionGenetics, part of Exact Sciences
Classification: Likely benign for ATL1-related condition. Last evaluated: 2026-08-04. Review status: criteria provided, single submitter. Criteria: ACMG Guidelines, 2015. Collection method: clinical testing. Allele origin: germline.
Comment: This variant is classified as likely benign based on ACMG/AMP sequence variant interpretation guidelines (Richards et al. 2015 PMID: 25741868, with internal and published modifications).